The following is an entry in ClinVar:

ClinVar aggregate classification (germline): Uncertain significance. Review status: criteria provided, multiple submitters, no conflicts (2 of 4 stars). 2 submissions from 2 submitters: Uncertain significance (2). Last evaluated 2025-12-10.

Conditions:
Inborn genetic diseases. Identifiers: MedGen C0950123, MeSH D030342.
Mosaic variegated aneuploidy syndrome 1 (MVA1). Also called: Warburton-Anyane-Yeboa syndrome. Identifiers: Orphanet 1052, MedGen C1850343, MONDO:0009759, OMIM 257300.

Allele frequency attached by ClinVar (database versions not stated): gnomAD 0.00002; ExAC 0.00001; TOPMed 0.00002.
gnomAD v4.1: 9 of 1,613,626 alleles (0.00056%); highest among the groups gnomAD compares: Admixed American, 0.0017%; no homozygotes.

Submissions (2):

Labcorp Genetics (formerly Invitae), Labcorp
Classification: Uncertain significance for Mosaic variegated aneuploidy syndrome 1. Last evaluated: 2025-12-10. Review status: criteria provided, single submitter. Criteria: Invitae Variant Classification Sherloc (09022015). Collection method: clinical testing. Allele origin: germline.
Comment: This sequence change replaces arginine, which is basic and polar, with cysteine, which is neutral and slightly polar, at codon 677 of the BUB1B protein (p.Arg677Cys). This variant is present in population databases (rs772150171, gnomAD 0.003%). This variant has not been reported in the literature in individuals affected with BUB1B-related conditions. ClinVar contains an entry for this variant (Variation ID: 2462531). An algorithm developed to predict the effect of missense changes on protein structure and function (PolyPhen-2) suggests that this variant is likely to be tolerated. In summary, the available evidence is currently insufficient to determine the role of this variant in disease. Therefore, it has been classified as a Variant of Uncertain Significance.

Ambry Genetics
Classification: Uncertain significance for Inborn genetic diseases. Last evaluated: 2022-12-01. Review status: criteria provided, single submitter. Criteria: Ambry Variant Classification Scheme 2023. Collection method: clinical testing. Allele origin: germline.
Comment: The p.R677C variant (also known as c.2029C>T), located in coding exon 16 of the BUB1B gene, results from a C to T substitution at nucleotide position 2029. The arginine at codon 677 is replaced by cysteine, an amino acid with highly dissimilar properties. This amino acid position is conserved. In addition, this alteration is predicted to be tolerated by in silico analysis. Since supporting evidence is limited at this time, the clinical significance of this alteration remains unclear.

NM_001211.6(BUB1B):c.2029C>T (p.Arg677Cys)

Gene: BUB1B (BUB1 mitotic checkpoint serine/threonine kinase B; plus strand). Cytogenetic location: 15q15.1.
Variant type: single nucleotide variant.
Coding change: c.2029C>T on transcript NM_001211.6 (MANE Select); coding-DNA position 2029, C replaced by T.
Protein change: p.Arg677Cys; replaces arginine 677 with cysteine.
Molecular consequence: missense variant.
Genome position (GRCh38, 1-based): chr15:40,208,656, C>T. VCF-style: chr15-40208656-C-T. GRCh37 (hg19) VCF-style: chr15-40500857-C-T.
Other names: short protein forms R677C.
Identifiers: ClinVar variation 2462531 (VCV002462531.5), dbSNP rs772150171, ClinGen allele CA7475939.